The following is an entry in ClinVar:

ClinVar aggregate classification (germline): Pathogenic/Likely pathogenic. Review status: criteria provided, multiple submitters, no conflicts (2 of 4 stars). 9 submissions from 9 submitters: Pathogenic (5); Likely pathogenic (2). 2 of the submissions do not count toward it. Last evaluated 2026-01-12.

Conditions:
Megalencephalic leukoencephalopathy with subcortical cysts. Also called: VAN DER KNAAP DISEASE. Identifiers: Orphanet 2478, MedGen C1858854, MONDO:0011391.
Megalencephalic leukoencephalopathy with subcortical cysts 1 (MLC1). Also called: LEUKOENCEPHALOPATHY WITH SWELLING AND CYSTS; VACUOLATING MEGALENCEPHALIC LEUKOENCEPHALOPATHY WITH SUBCORTICAL CYSTS. Identifiers: Orphanet 2478, MedGen C5779875, MONDO:0024555, OMIM 604004.

Allele frequency attached by ClinVar (database versions not stated): TOPMed below 0.00001.
gnomAD v4.1: 5 of 1,613,950 alleles (0.00031%); highest among the groups gnomAD compares: Non-Finnish European, 0.00042%; no homozygotes.

Submissions (9):

Natera, Inc.
Classification: Pathogenic for Megalencephalic leukoencephalopathy with subcortical cysts. Last evaluated: 2026-01-12. Review status: criteria provided, single submitter. Criteria: Natera Variant Classification Schema (03/2026). Collection method: clinical testing. Allele origin: germline.
Comment: The c.176G>A variant in MLC1 is a missense variant predicted to cause substitution of glycine to glutamic acid at amino acid 59. This variant is rare in the general population with a frequency below the threshold expected for the associated phenotype(s). This variant has been observed in one or more individuals affected with the associated recessive disease, as either homozygous or compound heterozygous with a second variant (PMID: 12189496). Additionally, this variant has been observed to segregate in affected family members (PMID: 12189496). Functional studies show that this variant may disrupt protein function (PMID: 18757878, 34531445). Computational prediction algorithms indicate this variant is likely to affect gene or protein function. Given the available evidence, this variant is classified as Pathogenic.

GeneDx
Classification: Pathogenic. Last evaluated: 2024-07-12. Review status: criteria provided, single submitter. Criteria: GeneDx Variant Classification Process June 2021. Collection method: clinical testing. Allele origin: germline. Affected: yes.
Comment: Published functional studies demonstrate reduced expression of the protein at the plasma membrane and reduced protein stability (PMID: 18757878); In silico analysis supports that this missense variant has a deleterious effect on protein structure/function; Not observed at significant frequency in large population cohorts (gnomAD); This variant is associated with the following publications: (PMID: 23793458, 22975760, 18757878, 12189496)

Fulgent Genetics
Classification: Likely pathogenic for Megalencephalic leukoencephalopathy with subcortical cysts 1. Last evaluated: 2024-02-24. Review status: criteria provided, single submitter. Criteria: ACMG Guidelines, 2015. Collection method: clinical testing. Allele origin: germline.

Baylor Genetics
Classification: Pathogenic for Megalencephalic leukoencephalopathy with subcortical cysts 1. Last evaluated: 2024-02-01. Review status: criteria provided, single submitter. Criteria: ACMG Guidelines, 2015. Collection method: clinical testing. Allele origin: unknown.

Labcorp Genetics (formerly Invitae), Labcorp
Classification: Pathogenic. Last evaluated: 2023-08-16. Review status: criteria provided, single submitter. Criteria: Invitae Variant Classification Sherloc (09022015). Collection method: clinical testing. Allele origin: germline.
Comment: ClinVar contains an entry for this variant (Variation ID: 4721). For these reasons, this variant has been classified as Pathogenic. Experimental studies have shown that this missense change affects MLC1 function (PMID: 18757878, 23793458). An algorithm developed to predict the effect of missense changes on protein structure and function (PolyPhen-2) suggests that this variant is likely to be disruptive. This missense change has been observed in individual(s) with megalencephalic leukoencephalopathy (PMID: 12189496). It has also been observed to segregate with disease in related individuals. This variant is not present in population databases (gnomAD no frequency). This sequence change replaces glycine, which is neutral and non-polar, with glutamic acid, which is acidic and polar, at codon 59 of the MLC1 protein (p.Gly59Glu).

Women's Health and Genetics/Laboratory Corporation of America, LabCorp
Classification: Pathogenic for Megalencephalic leukoencephalopathy with subcortical cysts. Last evaluated: 2022-12-12. Review status: criteria provided, single submitter. Criteria: LabCorp Variant Classification Summary - May 2015. Collection method: clinical testing. Allele origin: germline.
Comment: Variant summary: MLC1 c.176G>A (p.Gly59Glu) results in a non-conservative amino acid change in the encoded protein sequence. Five of five in-silico tools predict a damaging effect of the variant on protein function. 4/4 computational tools predict no significant impact on normal splicing. However, these predictions have yet to be confirmed by functional studies. The variant was absent in 249342 control chromosomes. c.176G>A has been reported in the literature to segregate with disease in multiple homozygous individuals affected with Megalencephalic Leukoencephalopathy With Subcortical Cysts 1 (Ben-Zeev_2002). These data indicate that the variant is very likely to be associated with disease. At least one publication reports experimental evidence evaluating an impact on protein function, demonstrating reduced expression of the protein in the plasma membrane and reduced protein stability (Duarri_2008). Four clinical diagnostic laboratories have submitted clinical-significance assessments for this variant to ClinVar after 2014 and classified the variant as pathogenic (n=3) and likely pathogenic (n=1). Based on the evidence outlined above, the variant was classified as pathogenic.

Myriad Genetics, Inc.
Classification: Likely pathogenic for Megalencephalic leukoencephalopathy with subcortical cysts 1. Last evaluated: 2019-11-11. Review status: criteria provided, single submitter. Criteria: Myriad Women's Health Autosomal Recessive and X-Linked Classification Criteria (2019). Collection method: clinical testing. Allele origin: unknown.
Comment: NM_015166.3(MLC1):c.176G>A(G59E) is classified as likely pathogenic in the context of megalencephalic leukoencephalopathy with subcortical cysts. Sources cited for classification include the following: PMID 12189496, 23793458 and 18757878. Classification of NM_015166.3(MLC1):c.176G>A(G59E) is based on the following criteria: This variant has been observed more frequently in patients with clinical diagnoses than in healthy populations and there is functional data showing deficient protein function. Please note: this variant was assessed in the context of healthy population screening.

OMIM
Classification: Pathogenic for MEGALENCEPHALIC LEUKOENCEPHALOPATHY WITH SUBCORTICAL CYSTS 1. Last evaluated: 2002-08-01. Review status: no assertion criteria provided. Collection method: literature only. Allele origin: germline. Not counted in ClinVar's aggregate classification.

GeneReviews
No classification provided. Condition: Megalencephalic leukoencephalopathy with subcortical cysts 1. Review status: no classification provided. Collection method: literature only. Allele origin: germline. Not counted in ClinVar's aggregate classification.

Literature cited by the submitters: PubMed 12189496 (cited by 6 submitters); PubMed 18757878 (cited by 4 submitters); PubMed 34531445 (cited by Natera, Inc.); PubMed 23793458 (cited by 3 submitters); PubMed 22975760 (cited by Women's Health and Genetics/Laboratory Corporation of America, LabCorp); NCBI Bookshelf NBK1535 (cited by GeneReviews).

NM_015166.4(MLC1):c.176G>A (p.Gly59Glu)

Gene: MLC1 (modulator of VRAC current 1; minus strand). Cytogenetic location: 22q13.33.
Variant type: single nucleotide variant.
Coding change: c.176G>A on transcript NM_015166.4 (MANE Select); coding-DNA position 176, G replaced by A.
Protein change: p.Gly59Glu; replaces glycine 59 with glutamic acid.
Molecular consequence: missense variant. On other transcripts: non-coding transcript variant (3), intron variant (1).
Genome position (GRCh38, 1-based): chr22:50,084,727, C>T on the plus strand (G>A on the coding strand, the complement: MLC1 is on the minus strand). VCF-style: chr22-50084727-C-T. GRCh37 (hg19) VCF-style: chr22-50523156-C-T.
Other names: c.176G>A, p.Gly59Glu (NM_001376472.1, NM_001376473.1, NM_001376474.1 and 10 more transcripts); c.-59+628G>A (NM_001376484.1); short protein forms G59E.
Identifiers: ClinVar variation 4721 (VCV000004721.24), dbSNP rs80358242, ClinGen allele CA340284.